The following is an entry in ClinVar:

ClinVar aggregate classification (germline): Uncertain significance. Review status: criteria provided, multiple submitters, no conflicts (2 of 4 stars). 4 submissions from 4 submitters: Uncertain significance (4). Last evaluated 2026-01-24.

Conditions:
Inborn genetic diseases. Identifiers: MedGen C0950123, MeSH D030342.
Methylcobalamin deficiency type cblE (HMAE). Also called: HOMOCYSTINURIA-MEGALOBLASTIC ANEMIA, cblE COMPLEMENTATION TYPE; VITAMIN B12-RESPONSIVE HOMOCYSTINURIA, cblE TYPE; HOMOCYSTINURIA-MEGALOBLASTIC ANEMIA, cblE TYPE. Identifiers: Orphanet 2169, Orphanet 622, MedGen C1856057, MONDO:0009354, OMIM 236270.

Allele frequency attached by ClinVar (database versions not stated): gnomAD 0.00039 and 0.00040; 1000 Genomes Project 0.00040; ESP Exome Variant Server 0.00015; TOPMed 0.00033; 1000 Genomes Project 30x 0.00031.
gnomAD v4.1: 114 of 1,614,012 alleles (0.0071%); highest among the groups gnomAD compares: African/African-American, 0.12%; no homozygotes.

Submissions (4):

GeneDx
Classification: Uncertain significance. Last evaluated: 2026-01-24. Review status: criteria provided, single submitter. Criteria: GeneDx Variant Classification Process June 2021. Collection method: clinical testing. Allele origin: germline.
Comment: In silico analysis supports that this missense variant has a deleterious effect on protein structure/function; Has not been previously published as pathogenic or benign to our knowledge

Labcorp Genetics (formerly Invitae), Labcorp
Classification: Uncertain significance for Methylcobalamin deficiency type cblE. Last evaluated: 2024-10-15. Review status: criteria provided, single submitter. Criteria: Invitae Variant Classification Sherloc (09022015). Collection method: clinical testing. Allele origin: germline.
Comment: This sequence change replaces leucine, which is neutral and non-polar, with phenylalanine, which is neutral and non-polar, at codon 593 of the MTRR protein (p.Leu593Phe). This variant is present in population databases (rs146415045, gnomAD 0.1%). This variant has not been reported in the literature in individuals affected with MTRR-related conditions. ClinVar contains an entry for this variant (Variation ID: 1362019). Invitae Evidence Modeling of protein sequence and biophysical properties (such as structural, functional, and spatial information, amino acid conservation, physicochemical variation, residue mobility, and thermodynamic stability) indicates that this missense variant is not expected to disrupt MTRR protein function with a negative predictive value of 80%. In summary, the available evidence is currently insufficient to determine the role of this variant in disease. Therefore, it has been classified as a Variant of Uncertain Significance.

Revvity Omics, Revvity
Classification: Uncertain significance for Methylcobalamin deficiency type cblE. Last evaluated: 2022-12-13. Review status: criteria provided, single submitter. Criteria: ACMG Guidelines, 2015. Collection method: clinical testing. Allele origin: germline.

Ambry Genetics
Classification: Uncertain significance for Inborn genetic diseases. Last evaluated: 2021-07-20. Review status: criteria provided, single submitter. Criteria: Ambry Variant Classification Scheme 2023. Collection method: clinical testing. Allele origin: germline.

NM_002454.3(MTRR):c.1777C>T (p.Leu593Phe)

Gene: MTRR (5-methyltetrahydrofolate-homocysteine methyltransferase reductase; plus strand). Cytogenetic location: 5p15.31.
Variant type: single nucleotide variant.
Coding change: c.1777C>T on transcript NM_002454.3 (MANE Select); coding-DNA position 1777, C replaced by T.
Protein change: p.Leu593Phe; replaces leucine 593 with phenylalanine.
Molecular consequence: missense variant. On other transcripts: non-coding transcript variant (14).
Genome position (GRCh38, 1-based): chr5:7,897,072, C>T. VCF-style: chr5-7897072-C-T. GRCh37 (hg19) VCF-style: chr5-7897185-C-T.
Other names: c.1777C>T, p.Leu593Phe (NM_001364440.2, NM_001364441.2, NM_001364442.2 and 1 more transcripts); c.1777C>T (NM_002454.2); short protein forms L593F.
Identifiers: ClinVar variation 1362019 (VCV001362019.8), dbSNP rs146415045, ClinGen allele CA3196073.